The following is an entry in ClinVar:

NC_000002.11:g.(?_215846891)_(215848609_?)del

Gene: ABCA12 (ATP binding cassette subfamily A member 12; minus strand). Cytogenetic location: 2q35.
Variant type: Deletion.
Identifiers: ClinVar variation 3247595 (VCV003247595.1).

ClinVar aggregate classification (germline): Pathogenic (1 of 4 stars; one submission).

Submission:

Labcorp Genetics (formerly Invitae), Labcorp
Classification: Pathogenic. Last evaluated: 2023-04-08. Review status: criteria provided, single submitter. Criteria: Invitae Variant Classification Sherloc (09022015). Collection method: clinical testing. Allele origin: unknown.
Comment: For these reasons, this variant has been classified as Pathogenic. This variant has not been reported in the literature in individuals affected with ABCA12-related conditions. This variant is a gross deletion of the genomic region encompassing exon(s) 29-30 of the ABCA12 gene. This deletion is out-of-frame, and is expected to create a premature termination codon and result in an absent or disrupted protein product. Loss-of-function variants in ABCA12 are known to be pathogenic (PMID: 20672373).

Literature cited by the submitters: PubMed 20672373.